The following is an entry in ClinVar:

ClinVar aggregate classification (germline): Benign/Likely benign. Review status: criteria provided, multiple submitters, no conflicts (2 of 4 stars). 2 submissions from 2 submitters: Benign (1); Likely benign (1). Last evaluated 2024-07-01.

Conditions:
Hereditary cancer-predisposing syndrome. Also called: Neoplastic Syndromes, Hereditary; Tumor predisposition; Hereditary Cancer Syndrome; Hereditary neoplastic syndrome. Identifiers: Orphanet 140162, MedGen C0027672, MeSH D009386, MONDO:0015356.
Oligodontia-cancer predisposition syndrome. Also called: TOOTH AGENESIS-COLORECTAL CANCER SYNDROME. Identifiers: Orphanet 300576, MedGen C1837750, MONDO:0012075, OMIM 608615. Disease mechanism: loss of function.

Allele frequency attached by ClinVar (database versions not stated): TOPMed below 0.00001.

Submissions (2):

Myriad Genetics, Inc.
Classification: Benign for Oligodontia-cancer predisposition syndrome. Last evaluated: 2024-07-01. Review status: criteria provided, single submitter. Criteria: Myriad Autosomal Dominant, Autosomal Recessive and X-Linked Classification Criteria (2023). Collection method: clinical testing. Allele origin: unknown.
Comment: This variant is considered benign. This variant is a silent/synonymous amino acid change and it is not expected to impact splicing.

Ambry Genetics
Classification: Likely benign for Hereditary cancer-predisposing syndrome. Last evaluated: 2021-10-21. Review status: criteria provided, single submitter. Criteria: Ambry Variant Classification Scheme 2023. Collection method: clinical testing. Allele origin: germline.

NM_004655.4(AXIN2):c.1141C>T (p.Leu381=)

Gene: AXIN2 (axin 2; minus strand). Cytogenetic location: 17q24.1.
Variant type: single nucleotide variant.
Coding change: c.1141C>T on transcript NM_004655.4 (MANE Select); coding-DNA position 1141, C replaced by T.
Protein change: p.Leu381=; no amino-acid change (leucine 381 retained).
Molecular consequence: synonymous variant.
Genome position (GRCh38, 1-based): chr17:65,538,262, G>A on the plus strand (C>T on the coding strand, the complement: AXIN2 is on the minus strand). VCF-style: chr17-65538262-G-A. GRCh37 (hg19) VCF-style: chr17-63534380-G-A.
Other names: c.1141C>T, p.Leu381= (NM_001363813.1).
Identifiers: ClinVar variation 1731468 (VCV001731468.3), dbSNP rs2043979639, ClinGen allele CA501476327.